The following is an entry in ClinVar:

ClinVar aggregate classification (germline): Conflicting classifications of pathogenicity. Review status: criteria provided, conflicting classifications (1 of 4 stars). 2 submissions from 2 submitters: Uncertain significance (1); Likely benign (1). Last evaluated 2025-08-13.

Conditions:
Arrhythmogenic right ventricular dysplasia 13. Also called: Arrhythmogenic right ventricular dysplasia, familial, 13; ARRHYTHMOGENIC RIGHT VENTRICULAR CARDIOMYOPATHY 13. Identifiers: MedGen C3810138, MONDO:0000908, OMIM 615616.

Allele frequency attached by ClinVar (database versions not stated): ESP Exome Variant Server 0.00008; TOPMed 0.00009; gnomAD 0.00013; 1000 Genomes Project 30x 0.00016; 1000 Genomes Project 0.00020.
gnomAD v4.1: 119 of 1,614,108 alleles (0.0074%); highest among the groups gnomAD compares: Admixed American, 0.02%; no homozygotes.

Submissions (2):

Labcorp Genetics (formerly Invitae), Labcorp
Classification: Uncertain significance for Arrhythmogenic right ventricular dysplasia 13. Last evaluated: 2025-08-13. Review status: criteria provided, single submitter. Criteria: Invitae Variant Classification Sherloc (09022015). Collection method: clinical testing. Allele origin: germline.
Comment: This sequence change replaces arginine, which is basic and polar, with leucine, which is neutral and non-polar, at codon 834 of the CTNNA3 protein (p.Arg834Leu). This variant is present in population databases (rs373081692, gnomAD 0.04%), and has an allele count higher than expected for a pathogenic variant. This variant has not been reported in the literature in individuals affected with CTNNA3-related conditions. ClinVar contains an entry for this variant (Variation ID: 647025). Invitae Evidence Modeling of protein sequence and biophysical properties (such as structural, functional, and spatial information, amino acid conservation, physicochemical variation, residue mobility, and thermodynamic stability) indicates that this missense variant is not expected to disrupt CTNNA3 protein function with a negative predictive value of 80%. In summary, the available evidence is currently insufficient to determine the role of this variant in disease. Therefore, it has been classified as a Variant of Uncertain Significance.

Blueprint Genetics
Classification: Likely benign. Last evaluated: 2024-06-14. Review status: criteria provided, single submitter. Criteria: ACMG Guidelines, 2015. Collection method: clinical testing. Allele origin: germline.

NM_013266.4(CTNNA3):c.2501G>T (p.Arg834Leu)

Gene: CTNNA3 (catenin alpha 3; minus strand). Cytogenetic location: 10q21.3.
Variant type: single nucleotide variant.
Coding change: c.2501G>T on transcript NM_013266.4 (MANE Select); coding-DNA position 2501, G replaced by T.
Protein change: p.Arg834Leu; replaces arginine 834 with leucine.
Molecular consequence: missense variant.
Genome position (GRCh38, 1-based): chr10:65,920,517, C>A on the plus strand (G>T on the coding strand, the complement: CTNNA3 is on the minus strand). VCF-style: chr10-65920517-C-A. GRCh37 (hg19) VCF-style: chr10-67680275-C-A.
Other names: c.2501G>T, p.Arg834Leu (NM_001127384.3); short protein forms R834L.
Identifiers: ClinVar variation 647025 (VCV000647025.10), dbSNP rs373081692, ClinGen allele CA5519566.